The following is an entry in ClinVar:

ClinVar aggregate classification (germline): Conflicting classifications of pathogenicity. Review status: criteria provided, conflicting classifications (1 of 4 stars). 6 submissions from 6 submitters: Pathogenic (1); Likely pathogenic (3); Uncertain significance (1). 1 of the submissions does not count toward it. Last evaluated 2026-08-06.

Conditions:
Mucopolysaccharidosis type 1. Also called: IDUA deficiency; MPS I; Mucopolysaccharidosis Type I. Identifiers: Orphanet 579, MedGen C0023786, MONDO:0001586.
Hurler syndrome. Also called: MUCOPOLYSACCHARIDOSIS TYPE IH; Severe MPS I (Hurler Syndrome); Gargoylism, Hurler Syndrome. Identifiers: Orphanet 93473, MedGen C0086795, MONDO:0011758, OMIM 607014.

Submissions (6):

OLLIN Analises Genomicas, OLLIN
Classification: Likely pathogenic for Hurler syndrome. Last evaluated: 2026-08-06. Review status: criteria provided, single submitter. Criteria: ACMG Guidelines 2015 PMID 25741868. Collection method: clinical testing. Allele origin: germline. Inheritance: Autosomal recessive inheritance.
Comment: This missense variant, located in exon 14 (of 14), is absent from gnomAD but has been reported in ClinVar (accession VCV002910181.4) and in the scientific literature, in compound heterozygosity, in individuals with IDUA related disorders (PMID: 33301762, 27896125). Functional studies suggest that this variant may affect protein function, and in silico analysis predicts a deleterious effect (PMID: 33301762). According to the currently available evidence, this variant has been classified as likely pathogenic (PS3_P, PM2_P, PM3, PP3_M, PP4).

Women's Health and Genetics/Laboratory Corporation of America, LabCorp
Classification: Pathogenic for Mucopolysaccharidosis type 1. Last evaluated: 2025-01-24. Review status: criteria provided, single submitter. Criteria: LabCorp Variant Classification Summary - May 2015. Collection method: clinical testing. Allele origin: germline.
Comment: Variant summary: IDUA c.1874A>G (p.Tyr625Cys) results in a non-conservative amino acid change located in the alpha-L-iduronidase C-terminal domain (IPR049167) of the encoded protein sequence. Five of five in-silico tools predict a damaging effect of the variant on protein function. The variant was absent in 248812 control chromosomes (gnomAD). c.1874A>G has been reported in the literature in individuals (including a homozygous individual) affected with mucopolysaccharidosis Type 1 (example: Fernndez-Marmiesse_2014, Pineda_2014, Thomas_2021). These data indicate that the variant is likely to be associated with disease. Enzymatic activity measured from a homozygous individual show 2% alpha-iduronidase activity (Thomas_2021). The following publications have been ascertained in the context of this evaluation (PMID: 24767253, 27896125, 33301762). ClinVar contains an entry for this variant (Variation ID: 100723). Based on the evidence outlined above, the variant was classified as pathogenic.

Natera, Inc.
Classification: Likely pathogenic for Mucopolysaccharidosis type I. Last evaluated: 2024-04-10. Review status: criteria provided, single submitter. Criteria: Natera Variant Classification Schema (03/2026). Collection method: clinical testing. Allele origin: germline.
Comment: The c.1874A>G variant in IDUA is a missense variant predicted to cause substitution of tyrosine to cysteine at amino acid 625. This variant is rare in the general population with a frequency below the threshold expected for the associated phenotype(s). This variant has been observed in one or more individuals affected with the associated recessive disease, as either homozygous or compound heterozygous with a second variant (PMID: 24767253, 27896125, 33301762). A different variant at the same position has been determined to be Pathogenic or Likely Pathogenic. Computational prediction algorithms indicate this variant is likely to affect gene or protein function. Given the available evidence, this variant is classified as Likely Pathogenic.

Labcorp Genetics (formerly Invitae), Labcorp
Classification: Likely pathogenic for Mucopolysaccharidosis type 1. Last evaluated: 2022-04-14. Review status: criteria provided, single submitter. Criteria: Invitae Variant Classification Sherloc (09022015). Collection method: clinical testing. Allele origin: germline.
Comment: In summary, the currently available evidence indicates that the variant is pathogenic, but additional data are needed to prove that conclusively. Therefore, this variant has been classified as Likely Pathogenic. This variant disrupts the p.Tyr625 amino acid residue in IDUA. Other variant(s) that disrupt this residue have been observed in individuals with IDUA-related conditions (PMID: 29801497), which suggests that this may be a clinically significant amino acid residue. Advanced modeling of protein sequence and biophysical properties (such as structural, functional, and spatial information, amino acid conservation, physicochemical variation, residue mobility, and thermodynamic stability) performed at Invitae indicates that this missense variant is expected to disrupt IDUA protein function. ClinVar contains an entry for this variant (Variation ID: 100723). This missense change has been observed in individuals with mucopolysaccharidosis type I (PMID: 24767253, 27896125). This variant is not present in population databases (gnomAD no frequency). This sequence change replaces tyrosine, which is neutral and polar, with cysteine, which is neutral and slightly polar, at codon 625 of the IDUA protein (p.Tyr625Cys).

Revvity Omics, Revvity
Classification: Uncertain significance. Last evaluated: 2020-09-22. Review status: criteria provided, single submitter. Criteria: ACMG Guidelines, 2015. Collection method: clinical testing. Allele origin: germline.

Unidad de Diagnostico y Tratamiento de Errores Congenitos del Metabolismo. Hospital Clínico Universitário de Santiago de Compostela
Classification: Pathogenic for Hurler syndrome. Review status: no assertion criteria provided. Collection method: research. Allele origin: inherited. Affected: yes. Not counted in ClinVar's aggregate classification.

Literature cited by the submitters: PubMed 33301762 (cited by 3 submitters); PubMed 27896125 (cited by 4 submitters); PubMed 24767253 (cited by 3 submitters); PubMed 29801497 (cited by Labcorp Genetics (formerly Invitae), Labcorp).

NM_000203.5(IDUA):c.1874A>G (p.Tyr625Cys)

Gene: IDUA (alpha-L-iduronidase; plus strand). Cytogenetic location: 4p16.3.
Variant type: single nucleotide variant.
Coding change: c.1874A>G on transcript NM_000203.5 (MANE Select); coding-DNA position 1874, A replaced by G.
Protein change: p.Tyr625Cys; replaces tyrosine 625 with cysteine.
Molecular consequence: missense variant. On other transcripts: non-coding transcript variant (1).
Genome position (GRCh38, 1-based): chr4:1,004,305, A>G. VCF-style: chr4-1004305-A-G. GRCh37 (hg19) VCF-style: chr4-998093-A-G.
Other names: c.1478A>G, p.Tyr493Cys (NM_001363576.1); c.1874A>G (NM_000203.4); short protein forms Y625C, Y493C.
Identifiers: ClinVar variation 100723 (VCV000100723.12), dbSNP rs587779401, ClinGen allele CA267584.